The following is an entry in ClinVar:

ClinVar aggregate classification (germline): Likely benign (1 of 4 stars; one submission).

Submission:

CeGaT Center for Human Genetics Tuebingen
Classification: Likely benign. Last evaluated: 2025-04-01. Review status: criteria provided, single submitter. Criteria: CeGaT Center For Human Genetics Tuebingen Variant Classification Criteria Version 2. Collection method: clinical testing. Allele origin: germline. Affected: yes. Observed: 1 variant allele.
Comment: CAVIN1: BP4, BP7

NM_012232.6(CAVIN1):c.972C>T (p.His324=)

Gene: CAVIN1 (caveolae associated protein 1; minus strand). Cytogenetic location: 17q21.2.
Variant type: single nucleotide variant.
Coding change: c.972C>T on transcript NM_012232.6 (MANE Select); coding-DNA position 972, C replaced by T.
Protein change: p.His324=; no amino-acid change (histidine 324 retained).
Molecular consequence: synonymous variant.
Genome position (GRCh38, 1-based): chr17:42,404,888, G>A on the plus strand (C>T on the coding strand, the complement: CAVIN1 is on the minus strand). VCF-style: chr17-42404888-G-A. GRCh37 (hg19) VCF-style: chr17-40556906-G-A.
Identifiers: ClinVar variation 3898644 (VCV003898644.7).
Genomic context (GRCh38, chr17:42,404,888, plus strand): 5'-CACCTCCACCATCTCGGTGGCCTTGAGCACTTCCACCTGGCCCTCGCGGATCTTCTTGAC[G>A]TGGAAGGTGAAGGGTGGCACCTTGTAGACCGCGGTCTTGGAGCGCGCGTACACCACGTGG-3'
Protein context (NP_036364.2, residues 314-334): AVYKVPPFTF[His324=]VKKIREGQVE